The following is an entry in ClinVar:

ClinVar aggregate classification (germline): Pathogenic (1 of 4 stars; one submission).

Submission:

Labcorp Genetics (formerly Invitae), Labcorp
Classification: Pathogenic. Last evaluated: 2023-04-26. Review status: criteria provided, single submitter. Criteria: Invitae Variant Classification Sherloc (09022015). Collection method: clinical testing. Allele origin: germline.
Comment: For these reasons, this variant has been classified as Pathogenic. This variant has not been reported in the literature in individuals affected with SLC12A1-related conditions. This variant is not present in population databases (gnomAD no frequency). This sequence change creates a premature translational stop signal (p.Trp1019*) in the SLC12A1 gene. It is expected to result in an absent or disrupted protein product. Loss-of-function variants in SLC12A1 are known to be pathogenic (PMID: 8640224, 9585600, 19096086).

Literature cited by the submitters: PubMed 8640224; PubMed 9585600; PubMed 19096086.

NM_000338.3(SLC12A1):c.3057G>A (p.Trp1019Ter)

Gene: SLC12A1 (solute carrier family 12 member 1; plus strand). Cytogenetic location: 15q21.1.
Variant type: single nucleotide variant.
Coding change: c.3057G>A on transcript NM_000338.3 (MANE Select); coding-DNA position 3057, G replaced by A.
Protein change: p.Trp1019Ter; replaces tryptophan 1019 with a stop codon.
Molecular consequence: nonsense.
Genome position (GRCh38, 1-based): chr15:48,299,236, G>A. VCF-style: chr15-48299236-G-A. GRCh37 (hg19) VCF-style: chr15-48591433-G-A.
Other names: c.3057G>A, p.Trp1019Ter (NM_001184832.2, NM_001384136.1); short protein forms W1019*.
Identifiers: ClinVar variation 2859480 (VCV002859480.3), dbSNP rs761193706, ClinGen allele CA392321211.
Genomic context (GRCh38, chr15:48,299,236, plus strand): 5'-TCTCCATGAAAGCTGCAAAGATTTAACAACTGCTGAGAAATTAAAAAGAGAAACTCCGTG[G>A]AAAATTACAGATGCAGAACTGGAAGCAGTCAAGGAAAAGGTAAGGATTTGTCTTTCTTAA-3'